The following is an entry in ClinVar:

NM_005751.5(AKAP9):c.3533-141C>G

Gene: AKAP9 (A-kinase anchoring protein 9; plus strand). Cytogenetic location: 7q21.2.
Variant type: single nucleotide variant.
Coding change: c.3533-141C>G on transcript NM_005751.5 (MANE Select); 141 bases into the intron before coding-DNA position 3533, C replaced by G.
Molecular consequence: intron variant.
Genome position (GRCh38, 1-based): chr7:92,014,108, C>G. VCF-style: chr7-92014108-C-G. GRCh37 (hg19) VCF-style: chr7-91643422-C-G.
Other names: c.3533-141C>G (NM_147185.3).
Identifiers: ClinVar variation 675309 (VCV000675309.1), dbSNP rs146043377, ClinGen allele CA15517448.
Genomic context (GRCh38, chr7:92,014,108, plus strand): 5'-TTTGTACCATTTTGTGGATAGAAATGGAAAATCTCACAAAGTTTCTGAGACAATGTTGAG[C>G]AATGGAAAATAACTCAAAGAAATAAAGAATTTAAAATGATTCTTATTGCAGGGGAGCTTC-3'

ClinVar aggregate classification (germline): Likely benign (1 of 4 stars; one submission).

Allele frequency attached by ClinVar (database versions not stated): 1000 Genomes Project 30x 0.00141; 1000 Genomes Project 0.00160; TOPMed 0.00549.

Submission:

GeneDx
Classification: Likely benign. Last evaluated: 2018-06-16. Review status: criteria provided, single submitter. Criteria: GeneDx Variant Classification (06012015). Collection method: clinical testing. Allele origin: germline. Affected: yes.
Comment: This variant is considered likely benign or benign based on one or more of the following criteria: it is a conservative change, it occurs at a poorly conserved position in the protein, it is predicted to be benign by multiple in silico algorithms, and/or has population frequency not consistent with disease.